The following is an entry in ClinVar:

ClinVar aggregate classification (germline): Uncertain significance. Review status: criteria provided, multiple submitters, no conflicts (2 of 4 stars). 2 submissions from 2 submitters: Uncertain significance (2). Last evaluated 2024-11-05.

Conditions:
Early-infantile DEE. Also called: Early infantile epileptic encephalopathy; Ohtahara syndrome; Early infantile epileptic encephalopathy with suppression bursts. Identifiers: Orphanet 1934, MedGen C0393706, MONDO:0800491.

Submissions (2):

Labcorp Genetics (formerly Invitae), Labcorp
Classification: Uncertain significance for Early-infantile DEE. Last evaluated: 2024-11-05. Review status: criteria provided, single submitter. Criteria: Invitae Variant Classification Sherloc (09022015). Collection method: clinical testing. Allele origin: germline.
Comment: This sequence change falls in intron 20 of the SCN1A gene. It does not directly change the encoded amino acid sequence of the SCN1A protein. However, this sequence change falls within a region encompassing a cryptic exon in the SCN1A gene, in which variants have been shown to alter splicing (PMID: 30526861, 34107977). This variant is not present in population databases (gnomAD no frequency). This variant has been observed in individuals with clinical features of SCN1A-related conditions (internal data). ClinVar contains an entry for this variant (Variation ID: 2113881). Algorithms developed to predict the effect of sequence changes on RNA splicing suggest that this variant may create or strengthen a splice site. In summary, the available evidence is currently insufficient to determine the role of this variant in disease. Therefore, it has been classified as a Variant of Uncertain Significance.

Greenwood Genetic Center Diagnostic Laboratories, Greenwood Genetic Center
Classification: Uncertain significance. Last evaluated: 2024-07-10. Review status: criteria provided, single submitter. Criteria: ACMG Guidelines, 2015. Collection method: clinical testing. Allele origin: germline. Affected: yes.
Comment: PM2, PP3

Literature cited by the submitters: PubMed 30526861 (cited by Labcorp Genetics (formerly Invitae), Labcorp); PubMed 34107977 (cited by Labcorp Genetics (formerly Invitae), Labcorp).

NM_001165963.4(SCN1A):c.4002+2451G>A

Genes: SCN1A (sodium voltage-gated channel alpha subunit 1; minus strand), LOC102724058 (uncharacterized LOC102724058; plus strand). Cytogenetic location: 2q24.3.
Variant type: single nucleotide variant.
Coding change: c.4002+2451G>A on transcript NM_001165963.4 (MANE Select); 2451 bases into the intron after coding-DNA position 4002, G replaced by A.
Molecular consequence: intron variant. On other transcripts: non-coding transcript variant (1).
Genome position (GRCh38, 1-based): chr2:166,007,268, C>T on the plus strand (G>A on the coding strand, the complement: SCN1A is on the minus strand). VCF-style: chr2-166007268-C-T. GRCh37 (hg19) VCF-style: chr2-166863778-C-T.
Other names: c.3969+2451G>A (NM_001353949.2, NM_001353950.2, NM_001353951.2 and 2 more transcripts); c.3918+2451G>A (NM_001353958.2, NM_001353957.2, NM_001165964.3); c.4002+2451G>A (NM_001202435.3, NM_001353948.2, NM_001165963.3); c.3966+2451G>A (NM_001353955.2, NM_001353954.2); c.3915+2451G>A (NM_001353960.2); c.1560+2451G>A (NM_001353961.2).
Identifiers: ClinVar variation 2113881 (VCV002113881.5), dbSNP rs869312684, ClinGen allele CA2580064269.